The following is an entry in ClinVar:

NM_015214.3(DDHD2):c.1387A>G (p.Ile463Val)

Gene: DDHD2 (DDHD domain containing 2; plus strand). Cytogenetic location: 8p11.23.
Variant type: single nucleotide variant.
Coding change: c.1387A>G on transcript NM_015214.3 (MANE Select); coding-DNA position 1387, A replaced by G.
Protein change: p.Ile463Val; replaces isoleucine 463 with valine.
Molecular consequence: missense variant. On other transcripts: non-coding transcript variant (2).
Genome position (GRCh38, 1-based): chr8:38,251,954, A>G. VCF-style: chr8-38251954-A-G. GRCh37 (hg19) VCF-style: chr8-38109472-A-G.
Other names: c.1387A>G, p.Ile463Val (NM_001164232.2, NM_001362911.2, NM_001362912.2 and 1 more transcripts); c.1297A>G, p.Ile433Val (NM_001362913.2); short protein forms I433V, I463V.
Identifiers: ClinVar variation 2046173 (VCV002046173.1), dbSNP rs148088581, ClinGen allele CA4716257.

ClinVar aggregate classification (germline): Uncertain significance (1 of 4 stars; one submission).

Conditions:
Hereditary spastic paraplegia 54. Also called: Spastic paraplegia 54, autosomal recessive. Identifiers: Orphanet 320380, MedGen C3539495, MONDO:0014018, OMIM 615033.

Allele frequency attached by ClinVar (database versions not stated): TOPMed 0.00002; ExAC 0.00011; gnomAD 0.00012; gnomAD exomes 0.00026; 1000 Genomes Project 30x 0.00047; 1000 Genomes Project 0.00060.
gnomAD v4.1: 387 of 1,614,158 alleles (0.024%); highest among the groups gnomAD compares: East Asian, 0.86%; 4 homozygotes.

Submission:

Labcorp Genetics (formerly Invitae), Labcorp
Classification: Uncertain significance for Hereditary spastic paraplegia 54. Last evaluated: 2022-06-07. Review status: criteria provided, single submitter. Criteria: Invitae Variant Classification Sherloc (09022015). Collection method: clinical testing. Allele origin: germline.
Comment: This sequence change replaces isoleucine, which is neutral and non-polar, with valine, which is neutral and non-polar, at codon 463 of the DDHD2 protein (p.Ile463Val). This variant is present in population databases (rs148088581, gnomAD 0.1%). This variant has not been reported in the literature in individuals affected with DDHD2-related conditions. Algorithms developed to predict the effect of missense changes on protein structure and function (SIFT, PolyPhen-2, Align-GVGD) all suggest that this variant is likely to be tolerated. In summary, the available evidence is currently insufficient to determine the role of this variant in disease. Therefore, it has been classified as a Variant of Uncertain Significance.